The following is an entry in ClinVar:

NM_006231.4(POLE):c.5203G>A (p.Ala1735Thr)

Gene: POLE (DNA polymerase epsilon, catalytic subunit; minus strand). Cytogenetic location: 12q24.33.
Variant type: single nucleotide variant.
Coding change: c.5203G>A on transcript NM_006231.4 (MANE Select); coding-DNA position 5203, G replaced by A.
Protein change: p.Ala1735Thr; replaces alanine 1735 with threonine.
Molecular consequence: missense variant.
Genome position (GRCh38, 1-based): chr12:132,641,822, C>T on the plus strand (G>A on the coding strand, the complement: POLE is on the minus strand). VCF-style: chr12-132641822-C-T. GRCh37 (hg19) VCF-style: chr12-133218408-C-T.
Other names: c.5203G>A (NM_006231.2); short protein forms A1735T.
Identifiers: ClinVar variation 1054788 (VCV001054788.10), dbSNP rs2042150896, ClinGen allele CA387376443.

ClinVar aggregate classification (germline): Uncertain significance. Review status: criteria provided, multiple submitters, no conflicts (2 of 4 stars). 2 submissions from 2 submitters: Uncertain significance (2). Last evaluated 2025-07-14.

Conditions:
Hereditary cancer-predisposing syndrome. Also called: Hereditary Cancer Syndrome; Tumor predisposition; Hereditary neoplastic syndrome; Neoplastic Syndromes, Hereditary. Identifiers: Orphanet 140162, MedGen C0027672, MeSH D009386, MONDO:0015356.

Allele frequency attached by ClinVar (database versions not stated): gnomAD exomes below 0.00001.
gnomAD v4.1: 1 of 1,601,856 alleles (0.000062%); highest among the groups gnomAD compares: Non-Finnish European, 0.000085%; no homozygotes.

Submissions (2):

Ambry Genetics
Classification: Uncertain significance for Hereditary cancer-predisposing syndrome. Last evaluated: 2025-07-14. Review status: criteria provided, single submitter. Criteria: Ambry Variant Classification Scheme 2023. Collection method: clinical testing. Allele origin: germline.
Comment: The p.A1735T variant (also known as c.5203G>A), located in coding exon 39 of the POLE gene, results from a G to A substitution at nucleotide position 5203. The alanine at codon 1735 is replaced by threonine, an amino acid with similar properties. This amino acid position is highly conserved in available vertebrate species. In addition, the in silico prediction for this alteration is inconclusive. Based on the available evidence, the clinical significance of this variant remains unclear.

Labcorp Genetics (formerly Invitae), Labcorp
Classification: Uncertain significance. Last evaluated: 2025-02-07. Review status: criteria provided, single submitter. Criteria: Invitae Variant Classification Sherloc (09022015). Collection method: clinical testing. Allele origin: germline.
Comment: This sequence change replaces alanine, which is neutral and non-polar, with threonine, which is neutral and polar, at codon 1735 of the POLE protein (p.Ala1735Thr). This variant is not present in population databases (gnomAD no frequency). This variant has not been reported in the literature in individuals affected with POLE-related conditions. ClinVar contains an entry for this variant (Variation ID: 1054788). Invitae Evidence Modeling of protein sequence and biophysical properties (such as structural, functional, and spatial information, amino acid conservation, physicochemical variation, residue mobility, and thermodynamic stability) indicates that this missense variant is not expected to disrupt POLE protein function with a negative predictive value of 80%. In summary, the available evidence is currently insufficient to determine the role of this variant in disease. Therefore, it has been classified as a Variant of Uncertain Significance.